The following is an entry in ClinVar:

ClinVar aggregate classification (germline): Uncertain significance (1 of 4 stars; one submission).

Conditions:
Inborn genetic diseases. Identifiers: MedGen C0950123, MeSH D030342.

gnomAD v4.1: 3 of 1,614,118 alleles (0.00019%); highest among the groups gnomAD compares: South Asian, 0.0022%; no homozygotes.

Submission:

Ambry Genetics
Classification: Uncertain significance for Inborn genetic diseases. Last evaluated: 2026-02-17. Review status: criteria provided, single submitter. Criteria: Ambry Variant Classification Scheme 2023. Collection method: clinical testing. Allele origin: germline.
Comment: The c.9499C>G (p.R3167G) alteration is located in exon 54 (coding exon 52) of the MACF1 gene. This alteration results from a C to G substitution at nucleotide position 9499, causing the arginine (R) at amino acid position 3167 to be replaced by a glycine (G). Based on data from gnomAD, the G allele has an overall frequency of <0.001% (1/251408) total alleles studied. The highest observed frequency was 0.003% (1/30616) of South Asian alleles. Based on insufficient or conflicting evidence, the clinical significance of this alteration remains unclear.

NM_001394062.1(MACF1):c.15685C>G (p.Arg5229Gly)

Gene: MACF1 (microtubule actin crosslinking factor 1; plus strand). Cytogenetic location: 1p34.3.
Variant type: single nucleotide variant.
Coding change: c.15685C>G on transcript NM_001394062.1 (MANE Select); coding-DNA position 15685, C replaced by G.
Protein change: p.Arg5229Gly; replaces arginine 5229 with glycine.
Molecular consequence: missense variant.
Genome position (GRCh38, 1-based): chr1:39,388,527, C>G. VCF-style: chr1-39388527-C-G. GRCh37 (hg19) VCF-style: chr1-39854199-C-G.
Other names: c.9499C>G, p.Arg3167Gly (NM_012090.5); short protein forms R3167G, R5229G.
Identifiers: ClinVar variation 4840075 (VCV004840075.1).